The following is an entry in ClinVar:

NM_001127178.3(PIGG):c.724G>A (p.Val242Met)

Gene: PIGG (phosphatidylinositol glycan anchor biosynthesis class G (EMM blood group); plus strand). Cytogenetic location: 4p16.3.
Variant type: single nucleotide variant.
Coding change: c.724G>A on transcript NM_001127178.3 (MANE Select); coding-DNA position 724, G replaced by A.
Protein change: p.Val242Met; replaces valine 242 with methionine.
Molecular consequence: missense variant. On other transcripts: non-coding transcript variant (10), intron variant (1), 5 prime UTR variant (4).
Genome position (GRCh38, 1-based): chr4:507,558, G>A. VCF-style: chr4-507558-G-A. GRCh37 (hg19) VCF-style: chr4-501347-G-A.
Other names: c.361-1271G>A (NM_001289052.2); c.457G>A, p.Val153Met (NM_001289051.2, NM_001289053.2, NM_001289057.2 and 2 more transcripts); c.358G>A, p.Val120Met (NM_001289055.2); c.-164G>A (NM_001345988.2); c.724G>A, p.Val242Met (NM_001345989.2, NM_017733.5); c.-902G>A (NM_001345990.2); c.-764G>A (NM_001345991.2); c.-489G>A (NM_001345994.2); short protein forms V242M, V120M, V153M.
Identifiers: ClinVar variation 476351 (VCV000476351.19), dbSNP rs144411585, ClinGen allele CA2793069.

ClinVar aggregate classification (germline): Conflicting classifications of pathogenicity. Review status: criteria provided, conflicting classifications (1 of 4 stars). 6 submissions from 6 submitters: Uncertain significance (2); Likely benign (3). 1 of the submissions does not count toward it. Last evaluated 2026-01-28.

Conditions:
PIGG-related disorder. Also called: PIGG-related condition.
Inborn genetic diseases. Identifiers: MedGen C0950123, MeSH D030342.
Intellectual disability, autosomal recessive 53 (NEDHSCA). Also called: GLYCOSYLPHOSPHATIDYLINOSITOL BIOSYNTHESIS DEFECT 13; Mental retardation, autosomal recessive 53; NEURODEVELOPMENTAL DISORDER WITH OR WITHOUT HYPOTONIA, SEIZURES, AND CEREBELLAR ATROPHY. Identifiers: Orphanet 488635, MedGen C4310794, MONDO:0014832, OMIM 616917.

Allele frequency attached by ClinVar (database versions not stated): gnomAD exomes 0.00042; ExAC 0.00051; gnomAD 0.00173 and 0.00187; TOPMed 0.00196; ESP Exome Variant Server 0.00208; 1000 Genomes Project 0.00220; 1000 Genomes Project 30x 0.00234.
gnomAD v4.1: 529 of 1,613,988 alleles (0.033%); highest among the groups gnomAD compares: African/African-American, 0.61%; 2 homozygotes.

Submissions (6):

Labcorp Genetics (formerly Invitae), Labcorp
Classification: Likely benign for Intellectual disability, autosomal recessive 53. Last evaluated: 2026-01-28. Review status: criteria provided, single submitter. Criteria: Invitae Variant Classification Sherloc (09022015). Collection method: clinical testing. Allele origin: germline.

Blueprint Genetics
Classification: Likely benign. Last evaluated: 2024-02-01. Review status: criteria provided, single submitter. Criteria: ACMG Guidelines, 2015. Collection method: clinical testing. Allele origin: germline.

GeneDx
Classification: Uncertain significance. Last evaluated: 2022-04-11. Review status: criteria provided, single submitter. Criteria: GeneDx Variant Classification Process June 2021. Collection method: clinical testing. Allele origin: germline. Affected: yes.
Comment: In silico analysis supports that this missense variant does not alter protein structure/function; Has not been previously published as pathogenic or benign to our knowledge

Ambry Genetics
Classification: Likely benign for Inborn genetic diseases. Last evaluated: 2021-09-17. Review status: criteria provided, single submitter. Criteria: Ambry Variant Classification Scheme 2023. Collection method: clinical testing. Allele origin: germline.

Baylor Genetics
Classification: Uncertain significance for Intellectual disability, autosomal recessive 53. Last evaluated: 2019-05-15. Review status: criteria provided, single submitter. Criteria: ACMG Guidelines, 2015. Collection method: clinical testing. Allele origin: unknown. Affected: yes.
Comment: This variant was determined to be of uncertain significance according to ACMG Guidelines, 2015 [PMID:25741868].

PreventionGenetics, part of Exact Sciences
Classification: Likely benign for PIGG-related condition. Last evaluated: 2022-05-09. Review status: no assertion criteria provided. Collection method: clinical testing. Allele origin: germline. Not counted in ClinVar's aggregate classification.
Comment: This variant is classified as likely benign based on ACMG/AMP sequence variant interpretation guidelines (Richards et al. 2015 PMID: 25741868, with internal and published modifications).